The following is an entry in ClinVar:

NM_005188.4(CBL):c.1667C>G (p.Ala556Gly)

Gene: CBL (Cbl proto-oncogene; plus strand). Cytogenetic location: 11q23.3.
Variant type: single nucleotide variant.
Coding change: c.1667C>G on transcript NM_005188.4 (MANE Select); coding-DNA position 1667, C replaced by G.
Protein change: p.Ala556Gly; replaces alanine 556 with glycine.
Molecular consequence: missense variant.
Genome position (GRCh38, 1-based): chr11:119,285,292, C>G. VCF-style: chr11-119285292-C-G. GRCh37 (hg19) VCF-style: chr11-119156002-C-G.
Other names: short protein forms A556G.
Identifiers: ClinVar variation 4219889 (VCV004219889.2).
Genomic context (GRCh38, chr11:119,285,292, plus strand): 5'-CTCCCACACTTCGAGATCTTCCACCACCACCGCCTCCAGACCGGCCATATTCTGTTGGAG[C>G]AGAATCCCGACCTCAAAGACGCCCCTTGCCTTGTACACCAGGCGACTGTCCCTCCAGAGA-3'
Protein context (NP_005179.2, residues 546-566): PPPDRPYSVG[Ala556Gly]ESRPQRRPLP

ClinVar aggregate classification (germline): Uncertain significance. Review status: criteria provided, multiple submitters, no conflicts (2 of 4 stars). 2 submissions from 2 submitters: Uncertain significance (2). Last evaluated 2025-08-03.

Conditions:
Cardiovascular phenotype. Identifiers: MedGen CN230736.

Submissions (2):

Ambry Genetics
Classification: Uncertain significance for Cardiovascular phenotype. Last evaluated: 2025-08-03. Review status: criteria provided, single submitter. Criteria: Ambry Variant Classification Scheme 2023. Collection method: clinical testing. Allele origin: germline.
Comment: The p.A556G variant (also known as c.1667C>G), located in coding exon 11 of the CBL gene, results from a C to G substitution at nucleotide position 1667. The alanine at codon 556 is replaced by glycine, an amino acid with similar properties. This amino acid position is conserved. In addition, this alteration is predicted to be tolerated by in silico analysis. Based on the available evidence, the clinical significance of this variant remains unclear.

GeneDx
Classification: Uncertain significance. Last evaluated: 2025-05-13. Review status: criteria provided, single submitter. Criteria: GeneDx Variant Classification Process June 2021. Collection method: clinical testing. Allele origin: germline. Affected: yes.
Comment: Not observed at significant frequency in large population cohorts (gnomAD); In silico analysis suggests that this missense variant does not alter protein structure/function; Has not been previously published as pathogenic or benign to our knowledge; This variant is associated with the following publications: (PMID: 20619386)